The following is an entry in ClinVar:

NM_005585.5(SMAD6):c.1321T>C (p.Phe441Leu)

Gene: SMAD6 (SMAD family member 6; plus strand). Cytogenetic location: 15q22.31.
Variant type: single nucleotide variant.
Coding change: c.1321T>C on transcript NM_005585.5 (MANE Select); coding-DNA position 1321, T replaced by C.
Protein change: p.Phe441Leu; replaces phenylalanine 441 with leucine.
Molecular consequence: missense variant. On other transcripts: non-coding transcript variant (1).
Genome position (GRCh38, 1-based): chr15:66,781,365, T>C. VCF-style: chr15-66781365-T-C. GRCh37 (hg19) VCF-style: chr15-67073703-T-C.
Other names: c.1321T>C (NM_005585.4); short protein forms F441L.
Identifiers: ClinVar variation 1395772 (VCV001395772.9), dbSNP rs993487814, ClinGen allele CA272023708.
Genomic context (GRCh38, chr15:66,781,365, plus strand): 5'-GGCGGCCGCGCCCTGGTCGTGCGCAAGGTGCCCCCCGGCTACTCCATCAAGGTGTTCGAC[T>C]TCGAGCGCTCGGGCCTGCAGCACGCGCCCGAGCCCGACGCCGCCGACGGCCCCTACGACC-3'
Protein context (NP_005576.3, residues 431-451): PPGYSIKVFD[Phe441Leu]ERSGLQHAPE

ClinVar aggregate classification (germline): Uncertain significance. Review status: criteria provided, multiple submitters, no conflicts (2 of 4 stars). 2 submissions from 2 submitters: Uncertain significance (2). Last evaluated 2026-08-19.

Conditions:
Inborn genetic diseases. Identifiers: MedGen C0950123, MeSH D030342.
Aortic valve disease 2 (AOVD2). Identifiers: MedGen C3542024, MONDO:0013902, OMIM 614823.

Allele frequency attached by ClinVar (database versions not stated): gnomAD exomes below 0.00001.
gnomAD v4.1: 2 of 1,600,278 alleles (0.00012%); highest among the groups gnomAD compares: Non-Finnish European, 0.00017%; no homozygotes.

Submissions (2):

Ambry Genetics
Classification: Uncertain significance for Inborn genetic diseases. Last evaluated: 2026-08-19. Review status: criteria provided, single submitter. Criteria: Ambry Variant Classification Scheme 2023. Collection method: clinical testing. Allele origin: germline.
Comment: The p.F441L variant (also known as c.1321T>C), located in coding exon 4 of the SMAD6 gene, results from a T to C substitution at nucleotide position 1321. The phenylalanine at codon 441 is replaced by leucine, an amino acid with highly similar properties. This amino acid position is conserved. In addition, the in silico prediction for this alteration is inconclusive. Based on the available evidence, the clinical significance of this variant remains unclear.

Labcorp Genetics (formerly Invitae), Labcorp
Classification: Uncertain significance for Aortic valve disease 2. Last evaluated: 2020-11-13. Review status: criteria provided, single submitter. Criteria: Invitae Variant Classification Sherloc (09022015). Collection method: clinical testing. Allele origin: germline.
Comment: Algorithms developed to predict the effect of missense changes on protein structure and function (SIFT, PolyPhen-2, Align-GVGD) all suggest that this variant is likely to be tolerated, but these predictions have not been confirmed by published functional studies and their clinical significance is uncertain. In summary, the available evidence is currently insufficient to determine the role of this variant in disease. Therefore, it has been classified as a Variant of Uncertain Significance. This sequence change replaces phenylalanine with leucine at codon 441 of the SMAD6 protein (p.Phe441Leu). The phenylalanine residue is moderately conserved and there is a small physicochemical difference between phenylalanine and leucine. This variant has not been reported in the literature in individuals with SMAD6-related conditions. This variant is not present in population databases (ExAC no frequency).